The following is an entry in ClinVar:

ClinVar aggregate classification (germline): Uncertain significance (1 of 4 stars; one submission).

Conditions:
Hereditary breast ovarian cancer syndrome. Also called: Hereditary breast and ovarian cancer; Hereditary breast and ovarian cancer syndrome; Breast and ovarian cancer; BRCA1- and BRCA2-Associated Hereditary Breast and Ovarian Cancer; Hereditary breast and ovarian cancer syndrome (HBOC); Hereditary breast and/or ovarian cancer syndrome. Identifiers: Orphanet 145, MedGen C0677776, MeSH D061325, MONDO:0003582. Disease mechanism: loss of function.

Allele frequency attached by ClinVar (database versions not stated): ESP Exome Variant Server 0.00008.

Submission:

Labcorp Genetics (formerly Invitae), Labcorp
Classification: Uncertain significance for Hereditary breast ovarian cancer syndrome. Last evaluated: 2023-08-28. Review status: criteria provided, single submitter. Criteria: Invitae Variant Classification Sherloc (09022015). Collection method: clinical testing. Allele origin: germline.
Comment: In summary, the available evidence is currently insufficient to determine the role of this variant in disease. Therefore, it has been classified as a Variant of Uncertain Significance. Advanced modeling of protein sequence and biophysical properties (such as structural, functional, and spatial information, amino acid conservation, physicochemical variation, residue mobility, and thermodynamic stability) performed at Invitae indicates that this missense variant is not expected to disrupt BRCA2 protein function. This variant has not been reported in the literature in individuals affected with BRCA2-related conditions. This variant is not present in population databases (gnomAD no frequency). This sequence change replaces aspartic acid, which is acidic and polar, with valine, which is neutral and non-polar, at codon 820 of the BRCA2 protein (p.Asp820Val).

NM_000059.4(BRCA2):c.2459A>T (p.Asp820Val)

Gene: BRCA2 (BRCA2 DNA repair associated; plus strand). Cytogenetic location: 13q13.1.
Variant type: single nucleotide variant.
Coding change: c.2459A>T on transcript NM_000059.4 (MANE Select); coding-DNA position 2459, A replaced by T.
Protein change: p.Asp820Val; replaces aspartic acid 820 with valine.
Molecular consequence: missense variant. On other transcripts: non-coding transcript variant (1), intron variant (2).
Genome position (GRCh38, 1-based): chr13:32,336,814, A>T. VCF-style: chr13-32336814-A-T. GRCh37 (hg19) VCF-style: chr13-32910951-A-T.
Other names: c.2459A>T, p.Asp820Val (NM_001406719.1, NM_001406720.1); c.1909+3427A>T (NM_001406721.1); c.424+5784A>T (NM_001406722.1); short protein forms D820V.
Identifiers: ClinVar variation 2755700 (VCV002755700.3), dbSNP rs80358511, ClinGen allele CA247502304.